The following is an entry in ClinVar:

NM_015559.3(SETBP1):c.3961C>T (p.Arg1321Cys)

Gene: SETBP1 (SET binding protein 1; plus strand). Cytogenetic location: 18q12.3.
Variant type: single nucleotide variant.
Coding change: c.3961C>T on transcript NM_015559.3 (MANE Select); coding-DNA position 3961, C replaced by T.
Protein change: p.Arg1321Cys; replaces arginine 1321 with cysteine.
Molecular consequence: missense variant.
Genome position (GRCh38, 1-based): chr18:44,953,301, C>T. VCF-style: chr18-44953301-C-T. GRCh37 (hg19) VCF-style: chr18-42533266-C-T.
Other names: c.3961C>T, p.Arg1321Cys (LRG_1150t1); short protein forms R1321C.
Identifiers: ClinVar variation 562037 (VCV000562037.32), dbSNP rs767301100, ClinGen allele CA8946032.

ClinVar aggregate classification (germline): Conflicting classifications of pathogenicity. Review status: criteria provided, conflicting classifications (1 of 4 stars). 4 submissions from 4 submitters: Uncertain significance (1); Likely benign (3). Last evaluated 2025-02-10.

Conditions:
Intellectual disability. Also called: Intellectual functioning disability; intellectual disabilities; Intellectual developmental disorder. Identifiers: MedGen C3714756, MeSH D008607, MONDO:0001071, HP:0001249.

Allele frequency attached by ClinVar (database versions not stated): gnomAD 0.00001; gnomAD exomes 0.00002; ExAC 0.00003; TOPMed 0.00005.
gnomAD v4.1: 37 of 1,613,818 alleles (0.0023%); highest among the groups gnomAD compares: Admixed American, 0.0033%; no homozygotes.

Submissions (4):

Labcorp Genetics (formerly Invitae), Labcorp
Classification: Likely benign. Last evaluated: 2025-02-10. Review status: criteria provided, single submitter. Criteria: Invitae Variant Classification Sherloc (09022015). Collection method: clinical testing. Allele origin: germline.

CeGaT Center for Human Genetics Tuebingen
Classification: Likely benign. Last evaluated: 2024-03-01. Review status: criteria provided, single submitter. Criteria: CeGaT Center For Human Genetics Tuebingen Variant Classification Criteria Version 2. Collection method: clinical testing. Allele origin: germline. Affected: yes. Observed: 1 variant allele.
Comment: SETBP1: BP4

GeneDx
Classification: Uncertain significance. Last evaluated: 2021-06-04. Review status: criteria provided, single submitter. Criteria: GeneDx Variant Classification Process June 2021. Collection method: clinical testing. Allele origin: germline. Affected: yes.
Comment: Reported in a patient with mesothelioma in published literature; however, additional information was not provided (Yoshikawa et al., 2020); In silico analysis supports that this missense variant has a deleterious effect on protein structure/function; This variant is associated with the following publications: (PMID: 27535533, 32206572, 28191889, 33004838)

Centre de Biologie Pathologie Génétique, Centre Hospitalier Universitaire de Lille
Classification: Likely benign for Intellectual disability. Last evaluated: 2017-01-01. Review status: criteria provided, single submitter. Criteria: ACMG Guidelines, 2015. Collection method: clinical testing. Allele origin: paternal. Affected: yes.